The following is an entry in ClinVar:

ClinVar aggregate classification (germline): Likely benign. Review status: criteria provided, multiple submitters, no conflicts (2 of 4 stars). 2 submissions from 2 submitters: Likely benign (2). Last evaluated 2025-10-01.

gnomAD v4.1: 1 of 1,547,160 alleles (0.000065%); highest among the groups gnomAD compares: Non-Finnish European, 0.000089%; no homozygotes.

Submissions (2):

Mayo Clinic Laboratories, Mayo Clinic
Classification: Likely benign. Last evaluated: 2025-10-01. Review status: criteria provided, single submitter. Criteria: ACMG Guidelines, 2015. Collection method: clinical testing. Allele origin: germline. Observed: 1 variant allele.
Comment: BP4, BP7, PM2_supporting

Labcorp Genetics (formerly Invitae), Labcorp
Classification: Likely benign. Last evaluated: 2024-08-01. Review status: criteria provided, single submitter. Criteria: Invitae Variant Classification Sherloc (09022015). Collection method: clinical testing. Allele origin: germline.

NM_002227.4(JAK1):c.3370-9T>A

Gene: JAK1 (Janus kinase 1; minus strand). Cytogenetic location: 1p31.3.
Variant type: single nucleotide variant.
Coding change: c.3370-9T>A on transcript NM_002227.4 (MANE Select); 9 bases into the intron before coding-DNA position 3370, T replaced by A.
Molecular consequence: intron variant.
Genome position (GRCh38, 1-based): chr1:64,834,666, A>T on the plus strand (T>A on the coding strand, the complement: JAK1 is on the minus strand). VCF-style: chr1-64834666-A-T. GRCh37 (hg19) VCF-style: chr1-65300349-A-T.
Other names: p.?; c.3370-9T>A (NM_001321852.2, NM_001321854.2, NM_001321853.2 and 3 more transcripts); c.3367-9T>A (NM_001321857.2).
Identifiers: ClinVar variation 3610543 (VCV003610543.3).